The following is an entry in ClinVar:

ClinVar aggregate classification (germline): Uncertain significance. Review status: criteria provided, multiple submitters, no conflicts (2 of 4 stars). 4 submissions from 4 submitters: Uncertain significance (4). Last evaluated 2025-07-01.

Conditions:
Cardiomyopathy (CMYO). Also called: Cardiomyopathies. Identifiers: Orphanet 167848, MedGen C0878544, MONDO:0004994, HP:0001638. Inheritance: Various modes of inheritance.
Catecholaminergic polymorphic ventricular tachycardia (CVPT). Also called: Catecholamine-induced polymorphic ventricular tachycardia. Identifiers: Orphanet 3286, MedGen C5574922, MONDO:0017990.
Catecholaminergic polymorphic ventricular tachycardia 1. Also called: VENTRICULAR TACHYCARDIA, CATECHOLAMINERGIC POLYMORPHIC, 1, WITH OR WITHOUT ATRIAL DYSFUNCTION AND/OR DILATED CARDIOMYOPATHY; VENTRICULAR TACHYCARDIA, STRESS-INDUCED POLYMORPHIC 1; RYR2-Related Catecholaminergic Polymorphic Ventricular Tachycardia. Identifiers: Orphanet 3286, MedGen C1631597, MONDO:0011484, OMIM 604772.
Hypertrophic cardiomyopathy. Also called: HYPERTROPHIC MYOCARDIOPATHY. Identifiers: Orphanet 217569, MedGen C0007194, MeSH D002312, MONDO:0005045, HP:0001639.

Allele frequency attached by ClinVar (database versions not stated): TOPMed 0.00001; gnomAD 0.00002; gnomAD exomes 0.00002.
gnomAD v4.1: 29 of 1,613,954 alleles (0.0018%); highest among the groups gnomAD compares: Non-Finnish European, 0.0024%; no homozygotes.

Submissions (4):

Color Diagnostics, LLC DBA Color Health
Classification: Uncertain significance for Cardiomyopathy. Last evaluated: 2025-07-01. Review status: criteria provided, single submitter. Criteria: ACMG Guidelines, 2015. Collection method: clinical testing. Allele origin: germline.
Comment: This missense variant replaces leucine with arginine at codon 787 of the RYR2 protein. Computational prediction is inconclusive regarding the impact of this variant on protein structure and function. To our knowledge, functional studies have not been reported for this variant. This variant has been reported in an individual affected with cardiomyopathy (PMID: 37477868). This variant has not been identified in the general population by the Genome Aggregation Database (gnomAD). The available evidence is insufficient to determine the role of this variant in disease conclusively. Therefore, this variant is classified as a Variant of Uncertain Significance.

Labcorp Genetics (formerly Invitae), Labcorp
Classification: Uncertain significance for Catecholaminergic polymorphic ventricular tachycardia 1. Last evaluated: 2025-05-23. Review status: criteria provided, single submitter. Criteria: Invitae Variant Classification Sherloc (09022015). Collection method: clinical testing. Allele origin: germline.
Comment: This sequence change replaces leucine, which is neutral and non-polar, with arginine, which is basic and polar, at codon 787 of the RYR2 protein (p.Leu787Arg). This variant is not present in population databases (gnomAD no frequency). This variant has not been reported in the literature in individuals affected with RYR2-related conditions. ClinVar contains an entry for this variant (Variation ID: 810759). Invitae Evidence Modeling of protein sequence and biophysical properties (such as structural, functional, and spatial information, amino acid conservation, physicochemical variation, residue mobility, and thermodynamic stability) indicates that this missense variant is not expected to disrupt RYR2 protein function with a negative predictive value of 95%. In summary, the available evidence is currently insufficient to determine the role of this variant in disease. Therefore, it has been classified as a Variant of Uncertain Significance.

All of Us Research Program, National Institutes of Health
Classification: Uncertain significance for Catecholaminergic polymorphic ventricular tachycardia. Last evaluated: 2024-09-23. Review status: criteria provided, single submitter. Criteria: ACMG Guidelines, 2015. Collection method: clinical testing. Allele origin: germline. Inheritance: Autosomal dominant inheritance. Observed: 3 variant alleles, 3 heterozygotes.
Comment: This missense variant replaces leucine with arginine at codon 787 of the RYR2 protein. Computational prediction is inconclusive regarding the impact of this variant on protein structure and function (internally defined REVEL score threshold 0.5 < inconclusive < 0.7, PMID: 27666373). To our knowledge, functional studies have not been reported for this variant. This variant has not been reported in individuals affected with RYR2-related disorders in the literature. This variant has not been identified in the general population by the Genome Aggregation Database (gnomAD). The available evidence is insufficient to determine the role of this variant in disease conclusively. Therefore, this variant is classified as a Variant of Uncertain Significance.

This study involves interpretation of variants in research participants for the purpose of population health screening. Participant phenotype was not available at the time of variant classification. Additional details can be found in publication PMID: 35346344, PMCID: PMC8962531

Agnes Ginges Centre for Molecular Cardiology, Centenary Institute
Classification: Uncertain significance for Hypertrophic cardiomyopathy. Last evaluated: 2018-10-15. Review status: criteria provided, single submitter. Criteria: ACMG Guidelines, 2015. Collection method: research. Allele origin: germline. Inheritance: Autosomal dominant inheritance. Affected: yes.
Comment: RYR2 Leu787Arg has not been previously reported and is absent from the Genome Aggregation Database. In silico tools SIFT, MutationTaster and PolyPhen2 predict this variant to be deleterious. Based on this information we classify this as a variant of 'uncertain significance'.

Literature cited by the submitters: PubMed 37477868 (cited by Color Diagnostics, LLC DBA Color Health).

NM_001035.3(RYR2):c.2360T>G (p.Leu787Arg)

Gene: RYR2 (ryanodine receptor 2; plus strand). Cytogenetic location: 1q43.
Variant type: single nucleotide variant.
Coding change: c.2360T>G on transcript NM_001035.3 (MANE Select); coding-DNA position 2360, T replaced by G.
Protein change: p.Leu787Arg; replaces leucine 787 with arginine.
Molecular consequence: missense variant.
Genome position (GRCh38, 1-based): chr1:237,500,867, T>G. VCF-style: chr1-237500867-T-G. GRCh37 (hg19) VCF-style: chr1-237664167-T-G.
Other names: short protein forms L787R.
Identifiers: ClinVar variation 810759 (VCV000810759.7), dbSNP rs1251442610, ClinGen allele CA345393330.